The following is an entry in ClinVar:

ClinVar aggregate classification (germline): Uncertain significance (1 of 4 stars; one submission).

Submission:

Labcorp Genetics (formerly Invitae), Labcorp
Classification: Uncertain significance. Last evaluated: 2025-07-09. Review status: criteria provided, single submitter. Criteria: Invitae Variant Classification Sherloc (09022015). Collection method: clinical testing. Allele origin: germline.
Comment: This sequence change replaces isoleucine, which is neutral and non-polar, with threonine, which is neutral and polar, at codon 572 of the WFS1 protein (p.Ile572Thr). This variant is not present in population databases (gnomAD no frequency). This variant has not been reported in the literature in individuals affected with WFS1-related conditions. Invitae Evidence Modeling of protein sequence and biophysical properties (such as structural, functional, and spatial information, amino acid conservation, physicochemical variation, residue mobility, and thermodynamic stability) has been performed for this missense variant. However, the output from this modeling did not meet the statistical confidence thresholds required to predict the impact of this variant on WFS1 protein function. In summary, the available evidence is currently insufficient to determine the role of this variant in disease. Therefore, it has been classified as a Variant of Uncertain Significance.

NM_006005.3(WFS1):c.1715T>C (p.Ile572Thr)

Gene: WFS1 (wolframin ER transmembrane glycoprotein; plus strand). Cytogenetic location: 4p16.1.
Variant type: single nucleotide variant.
Coding change: c.1715T>C on transcript NM_006005.3 (MANE Select); coding-DNA position 1715, T replaced by C.
Protein change: p.Ile572Thr; replaces isoleucine 572 with threonine.
Molecular consequence: missense variant.
Genome position (GRCh38, 1-based): chr4:6,301,510, T>C. VCF-style: chr4-6301510-T-C. GRCh37 (hg19) VCF-style: chr4-6303237-T-C.
Other names: c.1715T>C, p.Ile572Thr (NM_001145853.1); short protein forms I572T.
Identifiers: ClinVar variation 4772985 (VCV004772985.1).